The following is an entry in ClinVar:

ClinVar aggregate classification (germline): Uncertain significance. Review status: criteria provided, multiple submitters, no conflicts (2 of 4 stars). 2 submissions from 2 submitters: Uncertain significance (2). Last evaluated 2022-10-20.

Conditions:
Alstrom syndrome (ALMS). Identifiers: Orphanet 64, MedGen C0268425, MONDO:0008763, OMIM 203800.
Cardiovascular phenotype. Identifiers: MedGen CN230736.

Allele frequency attached by ClinVar (database versions not stated): gnomAD exomes below 0.00001; gnomAD 0.00002; TOPMed 0.00003.
gnomAD v4.1: 8 of 1,613,972 alleles (0.0005%); highest among the groups gnomAD compares: African/African-American, 0.008%; no homozygotes.

Submissions (2):

Ambry Genetics
Classification: Uncertain significance for Cardiovascular phenotype. Last evaluated: 2022-10-20. Review status: criteria provided, single submitter. Criteria: Ambry Variant Classification Scheme 2023. Collection method: clinical testing. Allele origin: germline.
Comment: The p.K204R variant (also known as c.611A>G), located in coding exon 3 of the ALMS1 gene, results from an A to G substitution at nucleotide position 611. The lysine at codon 204 is replaced by arginine, an amino acid with highly similar properties. This amino acid position is well conserved in available vertebrate species. In addition, this alteration is predicted to be tolerated by in silico analysis. Since supporting evidence is limited at this time, the clinical significance of this alteration remains unclear.

Labcorp Genetics (formerly Invitae), Labcorp
Classification: Uncertain significance for Alstrom syndrome. Last evaluated: 2022-04-12. Review status: criteria provided, single submitter. Criteria: Invitae Variant Classification Sherloc (09022015). Collection method: clinical testing. Allele origin: germline.
Comment: In summary, the available evidence is currently insufficient to determine the role of this variant in disease. Therefore, it has been classified as a Variant of Uncertain Significance. Algorithms developed to predict the effect of sequence changes on RNA splicing suggest that this variant may create or strengthen a splice site. Experimental studies and prediction algorithms are not available or were not evaluated, and the functional significance of this variant is currently unknown. This variant has not been reported in the literature in individuals affected with ALMS1-related conditions. This variant is not present in population databases (gnomAD no frequency). This sequence change replaces lysine, which is basic and polar, with arginine, which is basic and polar, at codon 204 of the ALMS1 protein (p.Lys204Arg).

NM_001378454.1(ALMS1):c.608A>G (p.Lys203Arg)

Gene: ALMS1 (ALMS1 centrosome and basal body associated protein; plus strand). Cytogenetic location: 2p13.1.
Variant type: single nucleotide variant.
Coding change: c.608A>G on transcript NM_001378454.1 (MANE Select); coding-DNA position 608, A replaced by G.
Protein change: p.Lys203Arg; replaces lysine 203 with arginine.
Molecular consequence: missense variant.
Genome position (GRCh38, 1-based): chr2:73,419,280, A>G. VCF-style: chr2-73419280-A-G. GRCh37 (hg19) VCF-style: chr2-73646408-A-G.
Other names: c.611A>G, p.Lys204Arg (NM_015120.4); short protein forms K203R, K204R.
Identifiers: ClinVar variation 1751707 (VCV001751707.5), dbSNP rs1266218812, ClinGen allele CA347259306.